The following is an entry in ClinVar:

NM_001276270.2(MBD4):c.14G>A (p.Gly5Glu)

Genes: MBD4 (methyl-CpG binding domain 4, DNA glycosylase; minus strand), LOC129937550 (ATAC-STARR-seq lymphoblastoid active region 20512; plus strand). Cytogenetic location: 3q21.3.
Variant type: single nucleotide variant.
Coding change: c.14G>A on transcript NM_001276270.2 (MANE Select); coding-DNA position 14, G replaced by A.
Protein change: p.Gly5Glu; replaces glycine 5 with glutamic acid.
Molecular consequence: missense variant.
Genome position (GRCh38, 1-based): chr3:129,439,820, C>T on the plus strand (G>A on the coding strand, the complement: MBD4 is on the minus strand). VCF-style: chr3-129439820-C-T. GRCh37 (hg19) VCF-style: chr3-129158663-C-T.
Other names: c.14G>A, p.Gly5Glu (NM_001276271.2, NM_001276272.2, NM_001276273.2 and 1 more transcripts); short protein forms G5E.
Identifiers: ClinVar variation 4827722 (VCV004827722.1).
Genomic context (GRCh38, chr3:129,439,820, plus strand): 5'-CGCTCACTAGAGGTGACGGTGGGGGCAGCTCCGCGGTCCCCCAGACTCAGACTCTCCAGC[C>T]CAGTCGTGCCCATCGAGCAGGGTCCGGCTGCAGCAACGAGCCCAGCGCCGCAACGCCCAG-3'
Protein context (NP_001263199.1, residues 1-15): MGTT[Gly5Glu]LESLSLGDRG

ClinVar aggregate classification (germline): Uncertain significance (1 of 4 stars; one submission).

Conditions:
Inborn genetic diseases. Identifiers: MedGen C0950123, MeSH D030342.

Submission:

Ambry Genetics
Classification: Uncertain significance for Inborn genetic diseases. Last evaluated: 2026-02-23. Review status: criteria provided, single submitter. Criteria: Ambry Variant Classification Scheme 2023. Collection method: clinical testing. Allele origin: germline.
Comment: The p.G5E variant (also known as c.14G>A), located in coding exon 1 of the MBD4 gene, results from a G to A substitution at nucleotide position 14. The glycine at codon 5 is replaced by glutamic acid, an amino acid with similar properties. This amino acid position is conserved. In addition, this alteration is predicted to be tolerated by in silico analysis. Based on the available evidence, the clinical significance of this variant remains unclear.